The following is an entry in ClinVar:

ClinVar aggregate classification (germline): Uncertain significance (1 of 4 stars; one submission).

Conditions:
Myofibrillar myopathy 5. Also called: Filaminopathy (type); FILAMINOPATHY, AUTOSOMAL DOMINANT. Identifiers: Orphanet 171445, MedGen C1836050, MONDO:0012289, OMIM 609524.
Distal myopathy with posterior leg and anterior hand involvement. Also called: WILLIAMS DISTAL MYOPATHY. Identifiers: Orphanet 63273, MedGen C3279722, MONDO:0013550, OMIM 614065.
Hypertrophic cardiomyopathy 26. Also called: Cardiomyopathy, familial hypertrophic, 26. Identifiers: Orphanet 75249, MedGen C4310749, MONDO:0014883, OMIM 617047.

Allele frequency attached by ClinVar (database versions not stated): ExAC 0.00030.

Submission:

Labcorp Genetics (formerly Invitae), Labcorp
Classification: Uncertain significance for Distal myopathy with posterior leg and anterior hand involvement; Myofibrillar myopathy 5; Hypertrophic cardiomyopathy 26. Last evaluated: 2022-09-13. Review status: criteria provided, single submitter. Criteria: Invitae Variant Classification Sherloc (09022015). Collection method: clinical testing. Allele origin: germline.
Comment: This sequence change replaces proline, which is neutral and non-polar, with leucine, which is neutral and non-polar, at codon 2568 of the FLNC protein (p.Pro2568Leu). The frequency data for this variant in the population databases is considered unreliable, as metrics indicate poor data quality at this position in the gnomAD database. This variant has not been reported in the literature in individuals affected with FLNC-related conditions. Advanced modeling of protein sequence and biophysical properties (such as structural, functional, and spatial information, amino acid conservation, physicochemical variation, residue mobility, and thermodynamic stability) performed at Invitae indicates that this missense variant is not expected to disrupt FLNC protein function. In summary, the available evidence is currently insufficient to determine the role of this variant in disease. Therefore, it has been classified as a Variant of Uncertain Significance.

NM_001458.5(FLNC):c.7703C>T (p.Pro2568Leu)

Genes: FLNC-AS1 (FLNC antisense RNA 1; minus strand), FLNC (filamin C; plus strand). Cytogenetic location: 7q32.1.
Variant type: single nucleotide variant.
Coding change: c.7703C>T on transcript NM_001458.5 (MANE Select); coding-DNA position 7703, C replaced by T.
Protein change: p.Pro2568Leu; replaces proline 2568 with leucine.
Molecular consequence: missense variant.
Genome position (GRCh38, 1-based): chr7:128,857,259, C>T. VCF-style: chr7-128857259-C-T. GRCh37 (hg19) VCF-style: chr7-128497313-C-T.
Other names: c.7604C>T, p.Pro2535Leu (NM_001127487.2); short protein forms P2535L, P2568L.
Identifiers: ClinVar variation 1719320 (VCV001719320.6), dbSNP rs752475474, ClinGen allele CA4476339.